The following is an entry in ClinVar:

ClinVar aggregate classification (germline): Pathogenic (1 of 4 stars; one submission).

Conditions:
Hereditary spastic paraplegia 15 (SPG15). Also called: SPASTIC PARAPLEGIA 15, AUTOSOMAL RECESSIVE; KJELLIN SYNDROME; SPASTIC PARAPLEGIA AND RETINAL DEGENERATION. Identifiers: Orphanet 100996, MedGen C1849128, MONDO:0010044, OMIM 270700.

Submission:

Myriad Genetics, Inc.
Classification: Pathogenic for Hereditary spastic paraplegia 15. Last evaluated: 2026-07-30. Review status: criteria provided, single submitter. Criteria: Myriad Autosomal Dominant, Autosomal Recessive and X-Linked Classification Criteria (2023). Collection method: clinical testing. Allele origin: unknown.
Comment: NM_015346.3(ZFYVE26):c.5111_5120dup10(Q1708Afs*57) is expected to be pathogenic in the context of spastic paraplegia type 15. This variant is predicted to lead to an abnormal or absent protein product due to the creation of a premature termination codon in ZFYVE26, a gene where loss-of-function variants are known to be pathogenic. Please note: this variant was assessed in the context of healthy population screening.

NM_015346.4(ZFYVE26):c.5111_5120dup (p.Gln1708fs)

Gene: ZFYVE26 (zinc finger FYVE-type containing 26; minus strand). Cytogenetic location: 14q24.1.
Variant type: Duplication.
Coding change: c.5111_5120dup on transcript NM_015346.4 (MANE Select); coding-DNA positions 5111 to 5120, 10 bases duplicated (TGCTGGTTGG; older notation c.5111_5120dupTGCTGGTTGG).
Protein change: p.Gln1708fs; shifts the reading frame from glutamine 1708.
Molecular consequence: frameshift variant.
Genome position (GRCh38, 1-based): chr14:67,775,961-67,775,970, CCAACCAGCA duplicated on the plus strand (TGCTGGTTGG on the coding strand, the reverse complement: ZFYVE26 is on the minus strand). VCF-style (leftmost placement, unchanged base first): chr14-67775960-T-TCCAACCAGCA. GRCh37 (hg19) VCF-style: chr14-68242677-T-TCCAACCAGCA.
Other names: short protein forms Q1708fs.
Identifiers: ClinVar variation 5016185 (VCV005016185.1).